The following is an entry in ClinVar:

NM_001813.3(CENPE):c.5775A>C (p.Glu1925Asp)

Gene: CENPE (centromere protein E; minus strand). Cytogenetic location: 4q24.
Variant type: single nucleotide variant.
Coding change: c.5775A>C on transcript NM_001813.3 (MANE Select); coding-DNA position 5775, A replaced by C.
Protein change: p.Glu1925Asp; replaces glutamic acid 1925 with aspartic acid.
Molecular consequence: missense variant.
Genome position (GRCh38, 1-based): chr4:103,140,394, T>G on the plus strand (A>C on the coding strand, the complement: CENPE is on the minus strand). VCF-style: chr4-103140394-T-G. GRCh37 (hg19) VCF-style: chr4-104061551-T-G.
Other names: c.5700A>C, p.Glu1900Asp (NM_001286734.2); short protein forms E1900D, E1925D.
Identifiers: ClinVar variation 1248245 (VCV001248245.5), dbSNP rs2306106, ClinGen allele CA3029524.

ClinVar aggregate classification (germline): Benign. Review status: criteria provided, multiple submitters, no conflicts (2 of 4 stars). 3 submissions from 3 submitters: Benign (2). 1 of the submissions does not count toward it. Last evaluated 2018-07-17.

Conditions:
CENPE-related disorder. Also called: CENPE-related condition.

Allele frequency attached by ClinVar (database versions not stated): ESP Exome Variant Server 0.00062; TOPMed 0.01402; 1000 Genomes Project 0.01577; 1000 Genomes Project 30x 0.01811.
gnomAD v4.1: 6,267 of 1,594,828 alleles (0.39%); highest among the groups gnomAD compares: Admixed American, 10%; 369 homozygotes.

Submissions (3):

GeneDx
Classification: Benign. Last evaluated: 2018-07-17. Review status: criteria provided, single submitter. Criteria: GeneDx Variant Classification Process June 2021. Collection method: clinical testing. Allele origin: germline. Affected: yes.

Breakthrough Genomics
Classification: Benign. Review status: criteria provided, single submitter. Criteria: ACMG Guidelines, 2015. Collection method: not provided. Allele origin: germline. Inheritance: Autosomal recessive inheritance. Affected: yes.

PreventionGenetics, part of Exact Sciences
Classification: Benign for CENPE-related condition. Last evaluated: 2019-09-05. Review status: no assertion criteria provided. Collection method: clinical testing. Allele origin: germline. Not counted in ClinVar's aggregate classification.
Comment: This variant is classified as benign based on ACMG/AMP sequence variant interpretation guidelines (Richards et al. 2015 PMID: 25741868, with internal and published modifications).